The following is an entry in ClinVar:

NM_016277.5(RAB23):c.238C>T (p.Arg80Ter)

Gene: RAB23 (RAB23, member RAS oncogene family; minus strand). Cytogenetic location: 6p11.2.
Variant type: single nucleotide variant.
Coding change: c.238C>T on transcript NM_016277.5 (MANE Select); coding-DNA position 238, C replaced by T.
Protein change: p.Arg80Ter; replaces arginine 80 with a stop codon.
Molecular consequence: nonsense.
Genome position (GRCh38, 1-based): chr6:57,207,631, G>A on the plus strand (C>T on the coding strand, the complement: RAB23 is on the minus strand). VCF-style: chr6-57207631-G-A. GRCh37 (hg19) VCF-style: chr6-57072429-G-A.
Other names: c.238C>T, p.Arg80Ter (NM_001278666.2, NM_001278667.2, NM_001278668.2 and 1 more transcripts); c.238C>T (NM_183227.2); short protein forms R80*.
Identifiers: ClinVar variation 2740005 (VCV002740005.5), dbSNP rs762512079, ClinGen allele CA3873881.

ClinVar aggregate classification (germline): Pathogenic/Likely pathogenic. Review status: criteria provided, multiple submitters, no conflicts (2 of 4 stars). 2 submissions from 2 submitters: Pathogenic (1); Likely pathogenic (1). Last evaluated 2025-01-05.

Conditions:
Carpenter syndrome. Identifiers: Orphanet 65759, MedGen C1275078, MONDO:0019012.
RAB23-related Carpenter syndrome. Also called: ACPS II; Carpenter syndrome 1. Identifiers: Orphanet 65759, MedGen C4551510, MONDO:0008710, OMIM 201000.

Allele frequency attached by ClinVar (database versions not stated): TOPMed below 0.00001; ExAC 0.00001; gnomAD 0.00001.
gnomAD v4.1: 5 of 1,587,326 alleles (0.00031%); highest among the groups gnomAD compares: South Asian, 0.0011%; no homozygotes.

Submissions (2):

Natera, Inc.
Classification: Likely pathogenic for Carpenter syndrome 1. Last evaluated: 2025-01-05. Review status: criteria provided, single submitter. Criteria: Natera Variant Classification Schema (03/2026). Collection method: clinical testing. Allele origin: germline.
Comment: The c.238C>T variant in RAB23 is a nonsense variant predicted to introduce a stop codon at amino acid 80. This variant is expected to result in nonsense mediated decay, truncation, or a dysfunctional protein product. This variant is rare in the general population with a frequency below the threshold expected for the associated phenotype(s). Given the available evidence, this variant is classified as Likely Pathogenic.

Labcorp Genetics (formerly Invitae), Labcorp
Classification: Pathogenic for Carpenter syndrome. Last evaluated: 2023-09-29. Review status: criteria provided, single submitter. Criteria: Invitae Variant Classification Sherloc (09022015). Collection method: clinical testing. Allele origin: germline.
Comment: This sequence change creates a premature translational stop signal (p.Arg80*) in the RAB23 gene. It is expected to result in an absent or disrupted protein product. Loss-of-function variants in RAB23 are known to be pathogenic (PMID: 17503333, 21412941). This variant is present in population databases (rs762512079, gnomAD 0.003%). This variant has not been reported in the literature in individuals affected with RAB23-related conditions. For these reasons, this variant has been classified as Pathogenic.

Literature cited by the submitters: PubMed 17503333 (cited by Labcorp Genetics (formerly Invitae), Labcorp); PubMed 21412941 (cited by Labcorp Genetics (formerly Invitae), Labcorp).